The following is an entry in ClinVar:

ClinVar aggregate classification (germline): Conflicting classifications of pathogenicity. Review status: criteria provided, conflicting classifications (1 of 4 stars). 10 submissions from 10 submitters: Uncertain significance (3); Likely benign (5). 2 of the submissions do not count toward it. Last evaluated 2026-05-05.

Conditions:
Hereditary cancer-predisposing syndrome. Also called: Tumor predisposition; Hereditary neoplastic syndrome; Neoplastic Syndromes, Hereditary; Hereditary Cancer Syndrome. Identifiers: Orphanet 140162, MedGen C0027672, MeSH D009386, MONDO:0015356.
Familial cancer of breast. Also called: hereditary breast carcinoma; Hereditary breast cancer; BREAST CANCER, FAMILIAL. Identifiers: Orphanet 227535, MedGen C0346153, MONDO:0016419, OMIM 114480. Disease mechanism: loss of function.
Ataxia-telangiectasia syndrome (AT). Also called: Cerebello-oculocutaneous telangiectasia; Immunodeficiency with ataxia telangiectasia; ATAXIA-TELANGIECTASIA, COMPLEMENTATION GROUP A; ATAXIA-TELANGIECTASIA, FRESNO VARIANT; Ataxia-telangiectasia; Ataxia telangiectasia (A-T). Identifiers: Orphanet 100, MedGen C0004135, MONDO:0008840, OMIM 208900.

Allele frequency attached by ClinVar (database versions not stated): TOPMed 0.00009; gnomAD 0.00003 and 0.00004.
gnomAD v4.1: 29 of 1,613,328 alleles (0.0018%); highest among the groups gnomAD compares: East Asian, 0.062%; 1 homozygote.

Submissions (10):

Women's Health and Genetics/Laboratory Corporation of America, LabCorp
Classification: Likely benign. Last evaluated: 2026-05-05. Review status: criteria provided, single submitter. Criteria: LabCorp Variant Classification Summary - May 2015. Collection method: clinical testing. Allele origin: germline.
Comment: Variant summary: ATM c.283C>A (p.Gln95Lys) results in a conservative amino acid change located in the Telomere-length maintenance and DNA damage repair domain (IPR021668) of the encoded protein sequence. Three of five in-silico tools predict a benign effect of the variant on protein function. The variant allele was found at a frequency of 0.00012 in 250948 control chromosomes, predominantly at a frequency of 0.0017 within the East Asian subpopulation in the gnomAD database, including 1 homozygote. The observed variant frequency within East Asian control individuals in the gnomAD database is approximately 2-fold of the estimated maximal expected allele frequency for a pathogenic variant in ATM. c.283C>A has been reported in the literature as a VUS in settings of multigene panel testing in individuals of East Asian ancestry affected with Breast Cancer (e.g. Chan_2018, Tung_2015, Wang_2019, Xie_2018, Kwong_2020). These reports do not provide unequivocal conclusions about association of the variant with Breast Cancer. To our knowledge, no experimental evidence demonstrating an impact on protein function has been reported. The following publications have been ascertained in the context of this evaluation (PMID: 30093976, 32068069, 31360874, 25186627, 30982232, 28580595, 26580448). Based on the evidence outlined above, the variant was classified as likely benign.

Labcorp Genetics (formerly Invitae), Labcorp
Classification: Likely benign for Ataxia-telangiectasia syndrome. Last evaluated: 2026-02-02. Review status: criteria provided, single submitter. Criteria: Invitae Variant Classification Sherloc (09022015). Collection method: clinical testing. Allele origin: germline.

Mayo Clinic Laboratories, Mayo Clinic
Classification: Likely benign. Last evaluated: 2025-11-07. Review status: criteria provided, single submitter. Criteria: ACMG Guidelines, 2015. Collection method: clinical testing. Allele origin: germline. Observed: 1 variant allele.
Comment: BS1, BP4

Sema4
Classification: Uncertain significance for Hereditary cancer-predisposing syndrome. Last evaluated: 2021-08-11. Review status: criteria provided, single submitter. Criteria: Sema4 Curation Guidelines. Collection method: curation. Allele origin: germline.
Comment: The ATM c.283C>A (p.Q95K) variant has been reported in multiple patients with breast, prostate, or colorectal cancers, as well as a pediatric patient with an ependymoma (PMID: 28580595, 30093976, 30982232, 25186627, 32068069, 31248605, 31360874, 26580448). It was observed in 35/19922 chromosomes of the East Asian subpopulation, with one homozygote, in the large and broad cohorts of the Genome Aggregation Database (PMID: 32461654). The variant has been reported in ClinVar (Variation ID 181957). Functional studies have not been performed, and in silico predictions of the variant's effect on protein function are inconclusive. The evidence is insufficient to meet ACMG/AMP criteria for classifying the variant as benign or pathogenic. Thus, the clinical significance of this variant is currently uncertain.

Ambry Genetics
Classification: Likely benign for Hereditary cancer-predisposing syndrome. Last evaluated: 2020-11-11. Review status: criteria provided, single submitter. Criteria: Ambry Variant Classification Scheme 2023. Collection method: clinical testing. Allele origin: germline.

Color Diagnostics, LLC DBA Color Health
Classification: Likely benign for Hereditary cancer-predisposing syndrome. Last evaluated: 2020-06-24. Review status: criteria provided, single submitter. Criteria: ACMG Guidelines, 2015. Collection method: clinical testing. Allele origin: germline.

GeneDx
Classification: Uncertain significance. Last evaluated: 2019-06-13. Review status: criteria provided, single submitter. Criteria: GeneDx Variant Classification Process June 2021. Collection method: clinical testing. Allele origin: germline. Affected: yes.
Comment: In silico analysis, which includes protein predictors and evolutionary conservation, supports that this variant does not alter protein structure/function; Observed in individuals with breast and other cancer (Tung 2015, Zhang 2015, Chan 2018, Xie 2018); This variant is associated with the following publications: (PMID: 26580448, 27062340, 25186627, 28580595, 30093976, 25741868)

Fulgent Genetics
Classification: Uncertain significance for Familial cancer of breast; Ataxia-telangiectasia syndrome. Last evaluated: 2018-10-31. Review status: criteria provided, single submitter. Criteria: ACMG Guidelines, 2015. Collection method: clinical testing. Allele origin: unknown.

Natera, Inc.
Classification: Uncertain significance for Ataxia-telangiectasia. Last evaluated: 2020-04-13. Review status: no assertion criteria provided. Collection method: clinical testing. Allele origin: germline. Not counted in ClinVar's aggregate classification.

Department of Pathology and Laboratory Medicine, Sinai Health System
Classification: Uncertain significance. Review status: no assertion criteria provided. Collection method: clinical testing. Allele origin: unknown. Affected: yes. Observed: 1 variant allele. Study: The Canadian Open Genetics Repository (COGR). Not counted in ClinVar's aggregate classification.
Comment: The ATM p.Gln95Lys variant was not identified in the literature nor was it identified in the COGR, Cosmic, MutDB, and LOVD 3.0. The variant was identified in dbSNP (ID: rs587781545) as â€šÃ„ÃºWith Pathogenic, Uncertain significance alleleâ€šÃ„Ã¹, in ClinVar (classified as uncertain significance by GeneDx, Invitae, Color Genomics Inc, and Ambry Genetics), Clinvitae (3x), and in control databases in 34 of 276752 chromosomes (1 homozygous) at a frequency of 0.0001 (Genome Aggregation Database Feb 27, 2017). It was observed in the East Asian populations in 34 (1 homozygous) of 18838 chromosomes (freq: 0.002), but not in the African, Other, Latino, European Non-Finnish, Ashkenazi Jewish, European Finnish, and South Asian populations. The p.Gln95 residue is conserved in mammals and computational analyses (PolyPhen-2, SIFT, AlignGVGD, BLOSUM, MutationTaster) provide inconsistent predictions regarding the impact of the variant Lys to the protein; this information is not very predictive of pathogenicity. The variant occurs outside of the splicing consensus sequence and in silico or computational prediction software programs (SpliceSiteFinder, MaxEntScan, NNSPLICE, GeneSplicer, HumanSpliceFinder) do not predict a difference in splicing. In summary, based on the above information the clinical significance of this variant cannot be determined with certainty at this time. This variant is classified as uncertain significance.

Literature cited by the submitters: PubMed 25186627 (cited by Women's Health and Genetics/Laboratory Corporation of America, LabCorp and Sema4); PubMed 26580448 (cited by 3 submitters); PubMed 30093976 (cited by 3 submitters); PubMed 28580595 (cited by 3 submitters); PubMed 30982232 (cited by Women's Health and Genetics/Laboratory Corporation of America, LabCorp and Sema4); PubMed 31360874 (cited by Women's Health and Genetics/Laboratory Corporation of America, LabCorp and Sema4); PubMed 32068069 (cited by Women's Health and Genetics/Laboratory Corporation of America, LabCorp and Sema4); PubMed 31248605 (cited by Sema4).

NM_000051.4(ATM):c.283C>A (p.Gln95Lys)

Gene: ATM (ATM serine/threonine kinase; plus strand). Cytogenetic location: 11q22.3.
Variant type: single nucleotide variant.
Coding change: c.283C>A on transcript NM_000051.4 (MANE Select); coding-DNA position 283, C replaced by A.
Protein change: p.Gln95Lys; replaces glutamine 95 with lysine.
Molecular consequence: missense variant.
Genome position (GRCh38, 1-based): chr11:108,229,275, C>A. VCF-style: chr11-108229275-C-A. GRCh37 (hg19) VCF-style: chr11-108100002-C-A.
Other names: p.Q95K:CAG>AAG; p.Gln95Lys; c.283C>A, p.Gln95Lys (NM_001351834.2, NM_001351835.2, NM_001351836.2); short protein forms Q95K.
Identifiers: ClinVar variation 181957 (VCV000181957.29), dbSNP rs587781545, ClinGen allele CA298245.